The following is an entry in ClinVar:

NM_000059.4(BRCA2):c.2279del (p.Leu760fs)

Gene: BRCA2 (BRCA2 DNA repair associated; plus strand). Cytogenetic location: 13q13.1.
Variant type: Deletion.
Coding change: c.2279del on transcript NM_000059.4 (MANE Select); coding-DNA position 2279, one base deleted (T; older notation c.2279delT).
Protein change: p.Leu760fs; shifts the reading frame from leucine 760.
Molecular consequence: frameshift variant.
Genome position (GRCh38, 1-based): chr13:32,336,634, T deleted; the last of 4 consecutive T bases (chr13:32,336,631-32,336,634); deleting any one gives the same sequence. VCF-style (leftmost placement, unchanged base first): chr13-32336630-CT-C. GRCh37 (hg19) VCF-style: chr13-32910767-CT-C.
Other names: c.2279delT (NM_000059.3); short protein forms L760fs.
Identifiers: ClinVar variation 254498 (VCV000254498.5), dbSNP rs886038071, ClinGen allele CA10586500.
Genomic context (GRCh38, chr13:32,336,630, plus strand): 5'-CACCCAGTACAACATTCAAAAGTGGAATACAGTGATACTGACTTTCAATCCCAGAAAAGT[CT>C]TTTATATGATCATGAAAATGCCAGCACTCTTATTTTAACTCCTACTTCCAAGGATGTTCT-3'

ClinVar aggregate classification (germline): Pathogenic. Review status: reviewed by expert panel (3 of 4 stars). 2 submissions from 2 submitters: Pathogenic (1). 1 of the submissions does not count toward it. Last evaluated 2016-09-08.

Conditions:
Familial cancer of breast. Also called: hereditary breast carcinoma; BREAST CANCER, FAMILIAL; Hereditary breast cancer. Identifiers: Orphanet 227535, MedGen C0346153, MONDO:0016419, OMIM 114480. Disease mechanism: loss of function.
Breast-ovarian cancer, familial, susceptibility to, 2 (BROVCA2). Also called: BRCA2 Hereditary Breast and Ovarian Cancer. Identifiers: Orphanet 145, MedGen C2675520, MONDO:0012933, OMIM 612555. Disease mechanism: loss of function.
Wilms tumor 1 (WT1). Also called: Wilms tumor, somatic. Identifiers: Orphanet 654, MedGen CN033288, MONDO:0008679, OMIM 194070.
Pancreatic cancer, susceptibility to, 2. Identifiers: Orphanet 1333, MedGen C3150546, MONDO:0013235, OMIM 613347.
Glioma susceptibility 3 (GLM3). Also called: Glioblastoma 3. Identifiers: Orphanet 182067, Orphanet 360, MedGen C2751641, MONDO:0013093, OMIM 613029.
Familial prostate cancer. Also called: Hereditary Prostate Cancer. Identifiers: MedGen C2931456, MONDO:0700275, OMIM 176807.
Fanconi anemia complementation group D1. Also called: BRCA2-Related Fanconi Anemia. Identifiers: Orphanet 319462, MedGen C1838457, MONDO:0011584, OMIM 605724.
Medulloblastoma (MDB). Also called: Medulloblastoma, somatic; MEDULLOBLASTOMA PREDISPOSITION SYNDROME. Identifiers: Orphanet 616, MedGen C0025149, MeSH D008527, MONDO:0007959, OMIM 155255, HP:0002885.

Submissions (2):

Evidence-based Network for the Interpretation of Germline Mutant Alleles (ENIGMA)
Classification: Pathogenic for Breast-ovarian cancer, familial, susceptibility to, 2. Last evaluated: 2016-09-08. Review status: reviewed by expert panel. Criteria: ENIGMA BRCA1/2 Classification Criteria (2015). Collection method: curation. Allele origin: germline.
Comment: Variant allele predicted to encode a truncated non-functional protein.

Juno Genomics, Hangzhou Juno Genomics, Inc
Classification: Likely pathogenic for Familial cancer of breast; Breast-ovarian cancer, familial, susceptibility to, 2; Glioma susceptibility 3; Medulloblastoma; Pancreatic cancer, susceptibility to, 2; Familial prostate cancer; Fanconi anemia complementation group D1; Wilms tumor 1. Review status: criteria provided, single submitter. Criteria: ACMG Guidelines, 2015. Collection method: clinical testing. Allele origin: germline. Not counted in ClinVar's aggregate classification.
Comment: Absent from controls (or at extremely low frequency if recessive) in Genome Aggregation Database.;Null variant in a gene where loss of function (LOF) is a known mechanism of disease.